The following is an entry in ClinVar:

ClinVar aggregate classification (germline): Uncertain significance (1 of 4 stars; one submission).

Conditions:
Neurodevelopmental disorder with microcephaly, seizures, and cortical atrophy. Identifiers: MedGen C4540493, MONDO:0060621, OMIM 617802.

Allele frequency attached by ClinVar (database versions not stated): gnomAD 0.00001; gnomAD exomes 0.00001 and 0.00002; TOPMed 0.00001; ExAC 0.00002.
gnomAD v4.1: 10 of 1,612,950 alleles (0.00062%); highest among the groups gnomAD compares: East Asian, 0.0022%; no homozygotes.

Submission:

Baylor Genetics
Classification: Uncertain significance for Neurodevelopmental disorder with microcephaly, seizures, and cortical atrophy. Last evaluated: 2019-11-15. Review status: criteria provided, single submitter. Criteria: ACMG Guidelines, 2015. Collection method: clinical testing. Allele origin: unknown. Affected: yes.
Comment: This variant was determined to be of uncertain significance according to ACMG Guidelines, 2015 [PMID:25741868].

NM_006295.3(VARS1):c.1874C>T (p.Pro625Leu)

Gene: VARS1 (valyl-tRNA synthetase 1; minus strand). Cytogenetic location: 6p21.33.
Variant type: single nucleotide variant.
Coding change: c.1874C>T on transcript NM_006295.3 (MANE Select); coding-DNA position 1874, C replaced by T.
Protein change: p.Pro625Leu; replaces proline 625 with leucine.
Molecular consequence: missense variant.
Genome position (GRCh38, 1-based): chr6:31,782,734, G>A on the plus strand (C>T on the coding strand, the complement: VARS1 is on the minus strand). VCF-style: chr6-31782734-G-A. GRCh37 (hg19) VCF-style: chr6-31750511-G-A.
Other names: short protein forms P625L.
Identifiers: ClinVar variation 1029024 (VCV001029024.1), dbSNP rs780541929, ClinGen allele CA3723157.